The following is an entry in ClinVar:

NM_018417.6(ADCY10):c.1744A>C (p.Asn582His)

Gene: ADCY10 (adenylate cyclase 10; minus strand). Cytogenetic location: 1q24.2.
Variant type: single nucleotide variant.
Coding change: c.1744A>C on transcript NM_018417.6 (MANE Select); coding-DNA position 1744, A replaced by C.
Protein change: p.Asn582His; replaces asparagine 582 with histidine.
Molecular consequence: missense variant.
Genome position (GRCh38, 1-based): chr1:167,860,936, T>G on the plus strand (A>C on the coding strand, the complement: ADCY10 is on the minus strand). VCF-style: chr1-167860936-T-G. GRCh37 (hg19) VCF-style: chr1-167830174-T-G.
Other names: c.1285A>C, p.Asn429His (NM_001167749.3); c.1468A>C, p.Asn490His (NM_001297772.2); short protein forms N490H, N429H, N582H.
Identifiers: ClinVar variation 4755124 (VCV004755124.1).

ClinVar aggregate classification (germline): Uncertain significance (1 of 4 stars; one submission).

gnomAD v4.1: 109 of 1,614,062 alleles (0.0068%); highest among the groups gnomAD compares: Non-Finnish European, 0.0089%; no homozygotes.

Submission:

Labcorp Genetics (formerly Invitae), Labcorp
Classification: Uncertain significance. Last evaluated: 2025-07-13. Review status: criteria provided, single submitter. Criteria: Invitae Variant Classification Sherloc (09022015). Collection method: clinical testing. Allele origin: germline.
Comment: This sequence change replaces asparagine, which is neutral and polar, with histidine, which is basic and polar, at codon 582 of the ADCY10 protein (p.Asn582His). This variant is present in population databases (rs753066788, gnomAD 0.006%). This variant has not been reported in the literature in individuals affected with ADCY10-related conditions. An algorithm developed to predict the effect of missense changes on protein structure and function (PolyPhen-2) suggests that this variant is likely to be tolerated. In summary, the available evidence is currently insufficient to determine the role of this variant in disease. Therefore, it has been classified as a Variant of Uncertain Significance.